The following is an entry in ClinVar:

ClinVar aggregate classification (germline): Benign/Likely benign. Review status: criteria provided, multiple submitters, no conflicts (2 of 4 stars). 8 submissions from 8 submitters: Benign (4); Likely benign (2). 2 of the submissions do not count toward it. Last evaluated 2025-06-04.

Conditions:
Polycystic kidney disease, adult type (PKD1). Also called: Polycystic Kidney, Autosomal Dominant; POLYCYSTIC KIDNEY DISEASE 1 WITH OR WITHOUT POLYCYSTIC LIVER DISEASE; POLYCYSTIC KIDNEY DISEASE, ADULT, TYPE I; Polycystic Kidney Disease 1, Autosomal Dominant; Polycystic kidney disease 1; Polycystic kidney disease 1, severe. Identifiers: MedGen C3149841, MONDO:0008263, OMIM 173900.
PKD1-related disorder. Also called: PKD1-related condition.
Polycystic kidney disease. Also called: Kidney, Polycystic; Polycystic kidney dysplasia. Identifiers: MedGen C0022680, MeSH D007690, MONDO:0020642, HP:0000113.

Allele frequency attached by ClinVar (database versions not stated): gnomAD exomes 0.00083 and 0.00216; ExAC 0.00268; 1000 Genomes Project 0.00859; gnomAD 0.00865 and 0.00924; ESP Exome Variant Server 0.00905; TOPMed 0.00934; 1000 Genomes Project 30x 0.00999.
gnomAD v4.1: 2,577 of 1,611,018 alleles (0.16%); highest among the groups gnomAD compares: African/African-American, 3%; 40 homozygotes.

Submissions (8):

Women's Health and Genetics/Laboratory Corporation of America, LabCorp
Classification: Likely benign. Last evaluated: 2025-06-04. Review status: criteria provided, single submitter. Criteria: LabCorp Variant Classification Summary - May 2015. Collection method: clinical testing. Allele origin: germline.
Comment: Variant summary: PKD1 c.3935G>A (p.Arg1312Gln) results in a conservative amino acid change in the encoded protein sequence. Algorithms developed to predict the effect of missense changes on protein structure and function all suggest that this variant is likely to be tolerated. The variant allele was found at a frequency of 0.0022 in 242668 control chromosomes, predominantly at a frequency of 0.03 within the African or African-American subpopulation in the gnomAD database, including 8 homozygotes. The observed variant frequency within African or African-American control individuals in the gnomAD database exceeds the estimated maximal expected allele frequency for a pathogenic variant in PKD1 causing PKD1-Biallelic Autosomal Recessive Polycystic Kidney Disease phenotype. To our knowledge, no occurrence of c.3935G>A in individuals affected with PKD1-Biallelic Autosomal Recessive Polycystic Kidney Disease and no experimental evidence demonstrating its impact on protein function have been reported. ClinVar contains an entry for this variant (Variation ID: 440114). Based on the evidence outlined above, the variant was classified as likely benign.

Athena Diagnostics
Classification: Benign. Last evaluated: 2023-11-07. Review status: criteria provided, single submitter. Criteria: Athena Diagnostics Criteria. Collection method: clinical testing. Allele origin: unknown.

Fulgent Genetics
Classification: Likely benign for Polycystic kidney disease, adult type. Last evaluated: 2021-11-05. Review status: criteria provided, single submitter. Criteria: ACMG Guidelines, 2015. Collection method: clinical testing. Allele origin: unknown.

GeneDx
Classification: Benign. Last evaluated: 2020-02-12. Review status: criteria provided, single submitter. Criteria: GeneDx Variant Classification Process June 2021. Collection method: clinical testing. Allele origin: germline. Affected: yes.

ARUP Laboratories, Molecular Genetics and Genomics, ARUP Laboratories
Classification: Benign for Polycystic kidney disease, adult type. Last evaluated: 2019-12-17. Review status: criteria provided, single submitter. Criteria: ARUP Molecular Germline Variant Investigation Process. Collection method: clinical testing. Allele origin: germline.

Breakthrough Genomics
Classification: Benign. Review status: criteria provided, single submitter. Criteria: ACMG Guidelines, 2015. Collection method: not provided. Allele origin: germline. Inheritance: Autosomal dominant inheritance. Affected: yes.

PreventionGenetics, part of Exact Sciences
Classification: Benign for PKD1-related condition. Last evaluated: 2020-04-25. Review status: no assertion criteria provided. Collection method: clinical testing. Allele origin: germline. Not counted in ClinVar's aggregate classification.
Comment: This variant is classified as benign based on ACMG/AMP sequence variant interpretation guidelines (Richards et al. 2015 PMID: 25741868, with internal and published modifications).

Department of Pathology and Laboratory Medicine, Sinai Health System
Classification: Benign for Polycystic Kidney disease. Review status: no assertion criteria provided. Collection method: clinical testing. Allele origin: unknown. Affected: yes. Study: The Canadian Open Genetics Repository (COGR). Not counted in ClinVar's aggregate classification.
Comment: The PKD1 p.Arg1312Gln variant was identified in 1 of 164 proband chromosomes (frequency: 0.006) from individuals or families with ADPKD, and was not identified in 342 control chromosomes from healthy individuals (Garcia-Gonzalez 2007). The variant was also identified in dbSNP (ID: rs142129358) as â€šÃ„ÃºN/Aâ€šÃ„Ã¹, the ADPKD Mutation Database (classified as likely neutral), 1000 Genomes Project in 43 of 5000 chromosomes (frequency: 0.009), the NHLBI GO Exome Sequencing Project in 117 of 4364 African American alleles, the genome Aggregation Database (beta, October 19th 2016) in 776 (12 homozygous) of 271038 chromosomes (freq. 0.003), the Exome Aggregation Consortium database (August 8th 2016) in 304 (3 homozygous) of 113380 chromosomes (freq. 0.003) in the following populations: African in 288 of 8892 chromosomes (freq. 0.03), Latino in 12 of 11216 chromosomes (freq. 0.001), European in 4 of 62116 chromosomes (freq. 0.0001), but was not seen in Asian, Finnish, and Other populations, increasing the likelihood that this may be a low frequency benign variant in certain populations of origin. The variant was not found in Clinvitae, ClinVar, GeneInsight COGR, MutDB, PKD1-LOVD and PKD1-LOVD 3.0. The p.Arg1312 residue is not conserved in mammals and computational analyses (PolyPhen-2, SIFT, AlignGVGD, BLOSUM, MutationTaster) do not suggest a high likelihood of impact to the protein; however, this information is not predictive enough to rule out pathogenicity. The variant occurs outside of the splicing consensus sequence and 1 of 5 in silico or computational prediction software programs (SpliceSiteFinder, MaxEntScan, NNSPLICE, GeneSplicer, HumanSpliceFinder) predict a greater than 10% difference in splicing; this is not very predictive of pathogenicity. In addition, the variant was identified with a co-occurring pathogenic PKD1 variant (L3343fsX), increasing the likelihood that the p.Arg1312Gln variant does not have clinical significance (Garcia-Gonzalez 2007). In summary, based on the above information, this variant meets our laboratory criteria to be classified as benign.

NM_001009944.3(PKD1):c.3935G>A (p.Arg1312Gln)

Gene: PKD1 (polycystin 1, transient receptor potential channel interacting; minus strand). Cytogenetic location: 16p13.3.
Variant type: single nucleotide variant.
Coding change: c.3935G>A on transcript NM_001009944.3 (MANE Select); coding-DNA position 3935, G replaced by A.
Protein change: p.Arg1312Gln; replaces arginine 1312 with glutamine.
Molecular consequence: missense variant.
Genome position (GRCh38, 1-based): chr16:2,111,232, C>T on the plus strand (G>A on the coding strand, the complement: PKD1 is on the minus strand). VCF-style: chr16-2111232-C-T. GRCh37 (hg19) VCF-style: chr16-2161233-C-T.
Other names: c.3935G>A, p.Arg1312Gln (NM_000296.4); short protein forms R1312Q.
Identifiers: ClinVar variation 440114 (VCV000440114.20), dbSNP rs142129358, ClinGen allele CA7832568.